The following is an entry in ClinVar:

NM_000091.5(COL4A3):c.4531_4534del (p.Cys1511fs)

Genes: MFF-DT (MFF divergent transcript; minus strand), COL4A3 (collagen type IV alpha 3 chain; plus strand). Cytogenetic location: 2q36.3.
Variant type: Microsatellite.
Coding change: c.4531_4534del on transcript NM_000091.5 (MANE Select); coding-DNA positions 4531 to 4534, 4 bases deleted (TGTA; older notation c.4531_4534delTGTA).
Protein change: p.Cys1511fs; shifts the reading frame from cysteine 1511.
Molecular consequence: frameshift variant.
Genome position (GRCh38, 1-based): chr2:227,308,967-227,308,970, TGTA deleted; deleting any 4 consecutive bases within chr2:227,308,962-227,308,970 gives the same sequence; the c. name uses the placement nearest the transcript's 3' end. VCF-style (leftmost placement, unchanged base first): chr2-227308961-GATGT-G. GRCh37 (hg19) VCF-style: chr2-228173677-GATGT-G.
Other names: c.4531_4534delTGTA (NM_000091.4); short protein forms C1511fs.
Identifiers: ClinVar variation 2203284 (VCV002203284.6), dbSNP rs2469937169, ClinGen allele CA2580616726.

ClinVar aggregate classification (germline): Pathogenic/Likely pathogenic. Review status: criteria provided, multiple submitters, no conflicts (2 of 4 stars). 3 submissions from 3 submitters: Pathogenic (1); Likely pathogenic (2). Last evaluated 2024-10-18.

Conditions:
Autosomal dominant Alport syndrome (ATS3A). Also called: ALPORT SYNDROME 3A, AUTOSOMAL DOMINANT; Alport syndrome dominant type; Renal failure and sensorineural hearing loss. Identifiers: Orphanet 63, Orphanet 88918, MedGen C5882663, MONDO:0007086, OMIM 104200.
Hematuria, benign familial, 2 (BFH2). Identifiers: MedGen C5830421, MONDO:0958186, OMIM 620320.
Alport syndrome 3b, autosomal recessive. Identifiers: MedGen C5882699, MONDO:0957811, OMIM 620536.
Alport syndrome. Also called: Hemorrhagic familial nephritis; Hemorrhagic hereditary nephritis; Congenital hereditary hematuria. Identifiers: Orphanet 63, MedGen C1567741, MONDO:0018965.

Submissions (3):

Natera, Inc.
Classification: Likely pathogenic for Alport syndrome. Last evaluated: 2024-10-18. Review status: criteria provided, single submitter. Criteria: Natera Variant Classification Schema (03/2026). Collection method: clinical testing. Allele origin: germline.
Comment: The c.4531_4534delTGTA variant in COL4A3 is a frameshift variant predicted to shift the reading frame beginning at codon 1511 and leads to a stop codon 17 codons downstream. This variant is expected to result in nonsense mediated decay, truncation, or a dysfunctional protein product. This variant is rare in the general population with a frequency below the threshold expected for the associated phenotype(s). Given the available evidence, this variant is classified as Likely Pathogenic.

Fulgent Genetics
Classification: Likely pathogenic for Autosomal dominant Alport syndrome; Hematuria, benign familial, 2; Alport syndrome 3b, autosomal recessive. Last evaluated: 2024-02-09. Review status: criteria provided, single submitter. Criteria: ACMG Guidelines, 2015. Collection method: clinical testing. Allele origin: germline.

Labcorp Genetics (formerly Invitae), Labcorp
Classification: Pathogenic. Last evaluated: 2022-06-12. Review status: criteria provided, single submitter. Criteria: Invitae Variant Classification Sherloc (09022015). Collection method: clinical testing. Allele origin: germline.
Comment: For these reasons, this variant has been classified as Pathogenic. This variant is also known as c.4530delATGT. This premature translational stop signal has been observed in individual(s) with Alport syndrome (PMID: 11134255). This sequence change creates a premature translational stop signal (p.Cys1511Ilefs*17) in the COL4A3 gene. It is expected to result in an absent or disrupted protein product. Loss-of-function variants in COL4A3 are known to be pathogenic (PMID: 8956999, 24854265, 26809805, 27281700). This variant is not present in population databases (gnomAD no frequency).

Literature cited by the submitters: PubMed 11134255 (cited by Labcorp Genetics (formerly Invitae), Labcorp); PubMed 8956999 (cited by Labcorp Genetics (formerly Invitae), Labcorp); PubMed 24854265 (cited by Labcorp Genetics (formerly Invitae), Labcorp); PubMed 26809805 (cited by Labcorp Genetics (formerly Invitae), Labcorp); PubMed 27281700 (cited by Labcorp Genetics (formerly Invitae), Labcorp).